The following is an entry in ClinVar:

NM_139057.4(ADAMTS17):c.226C>T (p.Pro76Ser)

Gene: ADAMTS17 (ADAM metallopeptidase with thrombospondin type 1 motif 17; minus strand). Cytogenetic location: 15q26.3.
Variant type: single nucleotide variant.
Coding change: c.226C>T on transcript NM_139057.4 (MANE Select); coding-DNA position 226, C replaced by T.
Protein change: p.Pro76Ser; replaces proline 76 with serine.
Molecular consequence: missense variant.
Genome position (GRCh38, 1-based): chr15:100,341,263, G>A on the plus strand (C>T on the coding strand, the complement: ADAMTS17 is on the minus strand). VCF-style: chr15-100341263-G-A. GRCh37 (hg19) VCF-style: chr15-100881468-G-A.
Other names: short protein forms P76S.
Identifiers: ClinVar variation 2091474 (VCV002091474.4), dbSNP rs1297541621, ClinGen allele CA394525366.

ClinVar aggregate classification (germline): Uncertain significance (1 of 4 stars; one submission).

Allele frequency attached by ClinVar (database versions not stated): TOPMed 0.00001; gnomAD exomes 0.00002; gnomAD 0.00010.

Submission:

Labcorp Genetics (formerly Invitae), Labcorp
Classification: Uncertain significance. Last evaluated: 2022-02-01. Review status: criteria provided, single submitter. Criteria: Invitae Variant Classification Sherloc (09022015). Collection method: clinical testing. Allele origin: germline.
Comment: This sequence change replaces proline, which is neutral and non-polar, with serine, which is neutral and polar, at codon 76 of the ADAMTS17 protein (p.Pro76Ser). In summary, the available evidence is currently insufficient to determine the role of this variant in disease. Therefore, it has been classified as a Variant of Uncertain Significance. Algorithms developed to predict the effect of missense changes on protein structure and function are either unavailable or do not agree on the potential impact of this missense change (SIFT: "Not Available"; PolyPhen-2: "Benign"; Align-GVGD: "Not Available"). This variant has not been reported in the literature in individuals affected with ADAMTS17-related conditions. The frequency data for this variant in the population databases is considered unreliable, as metrics indicate poor data quality at this position in the gnomAD database.